The following is an entry in ClinVar:

NM_032444.4(SLX4):c.3444A>T (p.Glu1148Asp)

Gene: SLX4 (SLX4 structure-specific endonuclease subunit; minus strand). Cytogenetic location: 16p13.3.
Variant type: single nucleotide variant.
Coding change: c.3444A>T on transcript NM_032444.4 (MANE Select); coding-DNA position 3444, A replaced by T.
Protein change: p.Glu1148Asp; replaces glutamic acid 1148 with aspartic acid.
Molecular consequence: missense variant.
Genome position (GRCh38, 1-based): chr16:3,590,194, T>A on the plus strand (A>T on the coding strand, the complement: SLX4 is on the minus strand). VCF-style: chr16-3590194-T-A. GRCh37 (hg19) VCF-style: chr16-3640195-T-A.
Other names: short protein forms E1148D.
Identifiers: ClinVar variation 1360864 (VCV001360864.8), dbSNP rs771079071, ClinGen allele CA394520125.
Genomic context (GRCh38, chr16:3,590,194, plus strand): 5'-CATTTTGGTTTGTTCTAGCTCCAGCTCCTCATCCGAGTCCAGTAAGAGGATGACCTCATC[T>A]TCTTCGTTCAGTTTGGATGAAGATTTCTGAGATCTGGAGCTCGAATGGTCAGGATTTGAC-3'
Protein context (NP_115820.2, residues 1138-1158): SQKSSSKLNE[Glu1148Asp]DEVILLLDSD

ClinVar aggregate classification (germline): Uncertain significance (1 of 4 stars; one submission).

Conditions:
Fanconi anemia (FA). Also called: Fanconi's anemia. Identifiers: Orphanet 84, MedGen C0015625, MeSH D005199, MONDO:0019391.

Submission:

Labcorp Genetics (formerly Invitae), Labcorp
Classification: Uncertain significance for Fanconi anemia. Last evaluated: 2025-04-21. Review status: criteria provided, single submitter. Criteria: Invitae Variant Classification Sherloc (09022015). Collection method: clinical testing. Allele origin: germline.
Comment: This sequence change replaces glutamic acid, which is acidic and polar, with aspartic acid, which is acidic and polar, at codon 1148 of the SLX4 protein (p.Glu1148Asp). This variant is not present in population databases (gnomAD no frequency). This variant has not been reported in the literature in individuals affected with SLX4-related conditions. ClinVar contains an entry for this variant (Variation ID: 1360864). An algorithm developed to predict the effect of missense changes on protein structure and function outputs the following: PolyPhen-2: "Benign". The aspartic acid amino acid residue is found in multiple mammalian species, which suggests that this missense change does not adversely affect protein function. In summary, the available evidence is currently insufficient to determine the role of this variant in disease. Therefore, it has been classified as a Variant of Uncertain Significance.